The following is an entry in ClinVar:

ClinVar aggregate classification (germline): Likely benign. Review status: criteria provided, multiple submitters, no conflicts (2 of 4 stars). 2 submissions from 2 submitters: Likely benign (2). Last evaluated 2024-05-14.

Conditions:
Cardiovascular phenotype. Identifiers: MedGen CN230736.
Arrhythmogenic right ventricular cardiomyopathy (ARVD). Also called: Cardiomyopathy, ARVC; Arrhythmogenic right ventricular dysplasia; Arrhythmogenic cardiomyopathy; Arrhythmogenic Right Ventricular Cardiomyopathy (ARVC). Identifiers: Orphanet 247, MedGen C0349788, MeSH D019571, MONDO:0016587. Disease mechanism: loss of function. Inheritance: Various modes of inheritance.

Allele frequency attached by ClinVar (database versions not stated): gnomAD exomes below 0.00001.
gnomAD v4.1: 2 of 1,582,924 alleles (0.00013%); highest among the groups gnomAD compares: Non-Finnish European, 0.00017%; no homozygotes.

Submissions (2):

All of Us Research Program, National Institutes of Health
Classification: Likely benign for Arrhythmogenic right ventricular cardiomyopathy. Last evaluated: 2024-05-14. Review status: criteria provided, single submitter. Criteria: ACMG Guidelines, 2015. Collection method: clinical testing. Allele origin: germline. Inheritance: Autosomal dominant inheritance. Observed: 1 variant allele, 1 heterozygote.
Comment: This study involves interpretation of variants in research participants for the purpose of population health screening. Participant phenotype was not available at the time of variant classification. Additional details can be found in publication PMID: 35346344, PMCID: PMC8962531

Ambry Genetics
Classification: Likely benign for Cardiovascular phenotype. Last evaluated: 2019-06-09. Review status: criteria provided, single submitter. Criteria: Ambry Variant Classification Scheme 2023. Collection method: clinical testing. Allele origin: germline.

NM_001005242.3(PKP2):c.111G>A (p.Lys37=)

Gene: PKP2 (plakophilin 2; minus strand). Cytogenetic location: 12p11.21.
Variant type: single nucleotide variant.
Coding change: c.111G>A on transcript NM_001005242.3 (MANE Select); coding-DNA position 111, G replaced by A.
Protein change: p.Lys37=; no amino-acid change (lysine 37 retained).
Molecular consequence: synonymous variant. On other transcripts: 5 prime UTR variant (4).
Genome position (GRCh38, 1-based): chr12:32,896,621, C>T on the plus strand (G>A on the coding strand, the complement: PKP2 is on the minus strand). VCF-style: chr12-32896621-C-T. GRCh37 (hg19) VCF-style: chr12-33049555-C-T.
Other names: c.111G>A, p.Lys37= (NM_001407155.1, NM_001407156.1, NM_001407157.1 and 2 more transcripts); c.-716G>A (NM_001407158.1, NM_001407162.1); c.-480G>A (NM_001407159.1, NM_001407160.1).
Identifiers: ClinVar variation 1797335 (VCV001797335.3), dbSNP rs2541384669, ClinGen allele CA479175880.